The following is an entry in ClinVar:

ClinVar aggregate classification (germline): Uncertain significance (1 of 4 stars; one submission).

Submission:

Ambry Genetics
Classification: Uncertain significance. Last evaluated: 2022-05-24. Review status: criteria provided, single submitter. Criteria: Ambry Variant Classification Scheme 2023. Collection method: clinical testing. Allele origin: germline.
Comment: The p.R2T variant (also known as c.5G>C), located in coding exon 2 of the RAD54L gene, results from a G to C substitution at nucleotide position 5. The arginine at codon 2 is replaced by threonine, an amino acid with similar properties. This amino acid position is conserved. In addition, the in silico prediction for this alteration is inconclusive. Since supporting evidence is limited at this time, the clinical significance of this alteration remains unclear.

NM_003579.4(RAD54L):c.5G>C (p.Arg2Thr)

Gene: RAD54L (RAD54 like; plus strand). Cytogenetic location: 1p34.1.
Variant type: single nucleotide variant.
Coding change: c.5G>C on transcript NM_003579.4 (MANE Select); coding-DNA position 5, G replaced by C.
Protein change: p.Arg2Thr; replaces arginine 2 with threonine.
Molecular consequence: missense variant. On other transcripts: 5 prime UTR variant (1).
Genome position (GRCh38, 1-based): chr1:46,248,513, G>C. VCF-style: chr1-46248513-G-C. GRCh37 (hg19) VCF-style: chr1-46714185-G-C.
Other names: c.5G>C, p.Arg2Thr (NM_001142548.2); c.-536G>C (NM_001370766.1); short protein forms R2T.
Identifiers: ClinVar variation 1751009 (VCV001751009.2), dbSNP rs2525626447, ClinGen allele CA340173750.